The following is an entry in ClinVar:

NM_001170535.3(ATAD3A):c.1041C>T (p.Asn347=)

Gene: ATAD3A (ATPase family AAA domain containing 3A; plus strand). Cytogenetic location: 1p36.33.
Variant type: single nucleotide variant.
Coding change: c.1041C>T on transcript NM_001170535.3 (MANE Select); coding-DNA position 1041, C replaced by T.
Protein change: p.Asn347=; no amino-acid change (asparagine 347 retained).
Molecular consequence: synonymous variant.
Genome position (GRCh38, 1-based): chr1:1,523,916, C>T. VCF-style: chr1-1523916-C-T. GRCh37 (hg19) VCF-style: chr1-1459296-C-T.
Other names: c.804C>T, p.Asn268= (NM_001170536.3); c.1185C>T, p.Asn395= (NM_018188.5).
Identifiers: ClinVar variation 2638034 (VCV002638034.24), dbSNP rs2524180147, ClinGen allele CA415386897.

ClinVar aggregate classification (germline): Likely benign (1 of 4 stars; one submission).

Allele frequency attached by ClinVar (database versions not stated): gnomAD exomes below 0.00001.
gnomAD v4.1: 2 of 1,614,078 alleles (0.00012%); highest among the groups gnomAD compares: African/African-American, 0.0013%; no homozygotes.

Submission:

CeGaT Center for Human Genetics Tuebingen
Classification: Likely benign. Last evaluated: 2023-01-01. Review status: criteria provided, single submitter. Criteria: CeGaT Center For Human Genetics Tuebingen Variant Classification Criteria Version 2. Collection method: clinical testing. Allele origin: germline. Affected: yes. Observed: 1 variant allele.
Comment: ATAD3A: PM2:Supporting, BP4, BP7